The following is an entry in ClinVar:

ClinVar aggregate classification (germline): Benign/Likely benign. Review status: criteria provided, multiple submitters, no conflicts (2 of 4 stars). 5 submissions from 5 submitters: Benign (1); Likely benign (4). Last evaluated 2025-08-20.

Conditions:
Familial thoracic aortic aneurysm and aortic dissection (TAAD). Also called: Thoracic aortic aneurysms and dissections. Identifiers: Orphanet 91387, MedGen C4707243, MONDO:0019625.
Shprintzen-Goldberg syndrome (SGS). Also called: CRANIOSYNOSTOSIS WITH ARACHNODACTYLY AND ABDOMINAL HERNIAS; Marfanoid disorder with craniosynostosis type 1; Marfanoid craniosynostosis syndrome; Shprintzen-Goldberg marfanoid syndrome; SHPRINTZEN-GOLDBERG CRANIOSYNOSTOSIS SYNDROME. Identifiers: Orphanet 2462, MedGen C1321551, MONDO:0008426, OMIM 182212.

Allele frequency attached by ClinVar (database versions not stated): gnomAD 0.00007 and 0.00009; TOPMed 0.00008; gnomAD exomes 0.00009 and 0.00004; ExAC 0.00004.
gnomAD v4.1: 137 of 1,610,506 alleles (0.0085%); highest among the groups gnomAD compares: Non-Finnish European, 0.01%; no homozygotes.

Submissions (5):

Labcorp Genetics (formerly Invitae), Labcorp
Classification: Likely benign for Shprintzen-Goldberg syndrome. Last evaluated: 2025-08-20. Review status: criteria provided, single submitter. Criteria: Invitae Variant Classification Sherloc (09022015). Collection method: clinical testing. Allele origin: germline.

Blueprint Genetics
Classification: Likely benign. Last evaluated: 2024-09-25. Review status: criteria provided, single submitter. Criteria: ACMG Guidelines, 2015. Collection method: clinical testing. Allele origin: germline.

Ambry Genetics
Classification: Likely benign for Familial thoracic aortic aneurysm and aortic dissection. Last evaluated: 2018-06-26. Review status: criteria provided, single submitter. Criteria: Ambry Variant Classification Scheme 2023. Collection method: clinical testing. Allele origin: germline.

ARUP Laboratories, Molecular Genetics and Genomics, ARUP Laboratories
Classification: Likely benign. Last evaluated: 2017-07-04. Review status: criteria provided, single submitter. Criteria: ARUP Molecular Germline Variant Investigation Process. Collection method: clinical testing. Allele origin: germline.

GeneDx
Classification: Benign. Last evaluated: 2016-12-14. Review status: criteria provided, single submitter. Criteria: GeneDx Variant Classification (06012015). Collection method: clinical testing. Allele origin: germline. Affected: yes.
Comment: This variant is considered likely benign or benign based on one or more of the following criteria: it is a conservative change, it occurs at a poorly conserved position in the protein, it is predicted to be benign by multiple in silico algorithms, and/or has population frequency not consistent with disease.

NM_003036.4(SKI):c.897C>T (p.Arg299=)

Gene: SKI (SKI proto-oncogene; plus strand). Cytogenetic location: 1p36.33.
Variant type: single nucleotide variant.
Coding change: c.897C>T on transcript NM_003036.4 (MANE Select); coding-DNA position 897, C replaced by T.
Protein change: p.Arg299=; no amino-acid change (arginine 299 retained).
Molecular consequence: synonymous variant.
Genome position (GRCh38, 1-based): chr1:2,229,663, C>T. VCF-style: chr1-2229663-C-T. GRCh37 (hg19) VCF-style: chr1-2161102-C-T.
Identifiers: ClinVar variation 380753 (VCV000380753.21), dbSNP rs773901705, ClinGen allele CA536481.